The following is an entry in ClinVar:

ClinVar aggregate classification (germline): Uncertain significance (1 of 4 stars; one submission).

Conditions:
ARMC5-related disorder. Also called: ARMC5-related condition.

Allele frequency attached by ClinVar (database versions not stated): ExAC 0.00002; gnomAD 0.00005; TOPMed 0.00010.

Submission:

PreventionGenetics, part of Exact Sciences
Classification: Uncertain significance for ARMC5-related condition. Last evaluated: 2023-02-01. Review status: criteria provided, single submitter. Criteria: ACMG Guidelines, 2015. Collection method: clinical testing. Allele origin: germline.
Comment: The ARMC5 c.2043C>A variant is predicted to result in the amino acid substitution p.His681Gln. To our knowledge, this variant has not been reported in the literature. This variant is reported in 0.032% of alleles in individuals of African descent in gnomAD. At this time, the clinical significance of this variant is uncertain due to the absence of conclusive functional and genetic evidence.

NM_001105247.2(ARMC5):c.1864+179C>A

Gene: ARMC5 (armadillo repeat containing 5; plus strand). Cytogenetic location: 16p11.2.
Variant type: single nucleotide variant.
Coding change: c.1864+179C>A on transcript NM_001105247.2 (MANE Select); 179 bases into the intron after coding-DNA position 1864, C replaced by A.
Molecular consequence: intron variant. On other transcripts: missense variant (1).
Genome position (GRCh38, 1-based): chr16:31,465,066, C>A. VCF-style: chr16-31465066-C-A. GRCh37 (hg19) VCF-style: chr16-31476387-C-A.
Other names: c.2043C>A, p.His681Gln (NM_024742.2); c.2149+179C>A (NM_001288767.2); c.1960+179C>A (NM_001301820.1); short protein forms H681Q.
Identifiers: ClinVar variation 2631906 (VCV002631906.1), dbSNP rs776577165, ClinGen allele CA8029847.